The following is an entry in ClinVar:

NM_006044.4(HDAC6):c.-1_11del (p.Met1_Thr4del)

Genes: HDAC6 (histone deacetylase 6; plus strand), LOC130068250 (ATAC-STARR-seq lymphoblastoid active region 29613; plus strand). Cytogenetic location: Xp11.23.
Variant type: Deletion.
Coding change: c.-1_11del on transcript NM_006044.4 (MANE Select); 1 bases upstream of the start codon through coding-DNA position 11, 12 bases deleted (TATGACCTCAAC).
Protein change: p.Met1_Thr4del.
Molecular consequence: inframe deletion, initiator codon variant. On other transcripts: non-coding transcript variant (1).
Genome position (GRCh38, 1-based): chrX:48,802,692-48,802,703, TATGACCTCAAC deleted; deleting any 12 consecutive bases within chrX:48,802,685-48,802,703 gives the same sequence; the c. name uses the placement nearest the transcript's 3' end. VCF-style (leftmost placement, unchanged base first): chrX-48802684-TCCTCAACTATGA-T. GRCh37 (hg19) VCF-style: chrX-48661091-TCCTCAACTATGA-T.
Other names: c.42_53del, p.Met15_Thr18del (NM_001321225.2); c.-1_11del, p.Met1_Thr4del (NM_001321226.2, NM_001321227.2, NM_001321228.2 and 3 more transcripts).
Identifiers: ClinVar variation 2673230 (VCV002673230.23), dbSNP rs2519364731, ClinGen allele CA2695200195.

ClinVar aggregate classification (germline): Uncertain significance (1 of 4 stars; one submission).

Submission:

CeGaT Center for Human Genetics Tuebingen
Classification: Uncertain significance. Last evaluated: 2023-11-01. Review status: criteria provided, single submitter. Criteria: CeGaT Center For Human Genetics Tuebingen Variant Classification Criteria Version 2. Collection method: clinical testing. Allele origin: germline. Affected: yes. Observed: 1 variant allele.
Comment: HDAC6: PM2